The following is an entry in ClinVar:

ClinVar aggregate classification (germline): Benign. Review status: criteria provided, multiple submitters, no conflicts (2 of 4 stars). 4 submissions from 4 submitters: Benign (3). 1 of the submissions does not count toward it. Last evaluated 2026-01-12.

Conditions:
KRT6A-related disorder. Also called: KRT6A-related condition.

Allele frequency attached by ClinVar (database versions not stated): 1000 Genomes Project 30x 0.00390; 1000 Genomes Project 0.00459; TOPMed 0.01011; gnomAD 0.01172 and 0.01210; ExAC 0.01184; gnomAD exomes 0.01208 and 0.01610; ESP Exome Variant Server 0.01262.

Submissions (4):

Labcorp Genetics (formerly Invitae), Labcorp
Classification: Benign. Last evaluated: 2026-01-12. Review status: criteria provided, single submitter. Criteria: Invitae Variant Classification Sherloc (09022015). Collection method: clinical testing. Allele origin: germline.

GeneDx
Classification: Benign. Last evaluated: 2016-12-19. Review status: criteria provided, single submitter. Criteria: GeneDx Variant Classification (06012015). Collection method: clinical testing. Allele origin: germline. Affected: yes.
Comment: This variant is considered likely benign or benign based on one or more of the following criteria: it is a conservative change, it occurs at a poorly conserved position in the protein, it is predicted to be benign by multiple in silico algorithms, and/or has population frequency not consistent with disease.

Breakthrough Genomics
Classification: Benign. Review status: criteria provided, single submitter. Criteria: ACMG Guidelines, 2015. Collection method: not provided. Allele origin: germline. Inheritance: Autosomal dominant inheritance. Affected: yes.

PreventionGenetics, part of Exact Sciences
Classification: Benign for KRT6A-related condition. Last evaluated: 2024-01-03. Review status: no assertion criteria provided. Collection method: clinical testing. Allele origin: germline. Not counted in ClinVar's aggregate classification.
Comment: This variant is classified as benign based on ACMG/AMP sequence variant interpretation guidelines (Richards et al. 2015 PMID: 25741868, with internal and published modifications).

NM_005554.4(KRT6A):c.1327C>T (p.Arg443Trp)

Gene: KRT6A (keratin 6A; minus strand). Cytogenetic location: 12q13.13.
Variant type: single nucleotide variant.
Coding change: c.1327C>T on transcript NM_005554.4 (MANE Select); coding-DNA position 1327, C replaced by T.
Protein change: p.Arg443Trp; replaces arginine 443 with tryptophan.
Molecular consequence: missense variant.
Genome position (GRCh38, 1-based): chr12:52,488,425, G>A on the plus strand (C>T on the coding strand, the complement: KRT6A is on the minus strand). VCF-style: chr12-52488425-G-A. GRCh37 (hg19) VCF-style: chr12-52882209-G-A.
Other names: short protein forms R443W.
Identifiers: ClinVar variation 378063 (VCV000378063.12), dbSNP rs62617089, ClinGen allele CA6581881.